The following is an entry in ClinVar:

NM_014003.4(DHX38):c.2199G>T (p.Gln733His)

Gene: DHX38 (DEAH-box helicase 38; plus strand). Cytogenetic location: 16q22.2.
Variant type: single nucleotide variant.
Coding change: c.2199G>T on transcript NM_014003.4 (MANE Select); coding-DNA position 2199, G replaced by T.
Protein change: p.Gln733His; replaces glutamine 733 with histidine.
Molecular consequence: missense variant.
Genome position (GRCh38, 1-based): chr16:72,105,074, G>T. VCF-style: chr16-72105074-G-T. GRCh37 (hg19) VCF-style: chr16-72138973-G-T.
Other names: short protein forms Q733H.
Identifiers: ClinVar variation 1035058 (VCV001035058.6), dbSNP rs1301087578, ClinGen allele CA396711290.

ClinVar aggregate classification (germline): Uncertain significance (1 of 4 stars; one submission).

Allele frequency attached by ClinVar (database versions not stated): gnomAD exomes below 0.00001 and 0.00001; TOPMed below 0.00001.
gnomAD v4.1: 14 of 1,614,230 alleles (0.00087%); highest among the groups gnomAD compares: Non-Finnish European, 0.0012%; no homozygotes.

Submission:

Labcorp Genetics (formerly Invitae), Labcorp
Classification: Uncertain significance. Last evaluated: 2020-10-09. Review status: criteria provided, single submitter. Criteria: Invitae Variant Classification Sherloc (09022015). Collection method: clinical testing. Allele origin: germline.
Comment: Algorithms developed to predict the effect of missense changes on protein structure and function are either unavailable or do not agree on the potential impact of this missense change (SIFT: "Deleterious"; PolyPhen-2: "Possibly Damaging"; Align-GVGD: "Class C15"). This variant has not been reported in the literature in individuals with DHX38-related conditions. This variant is not present in population databases (ExAC no frequency). This sequence change replaces glutamine with histidine at codon 733 of the DHX38 protein (p.Gln733His). The glutamine residue is highly conserved and there is a small physicochemical difference between glutamine and histidine. In summary, the available evidence is currently insufficient to determine the role of this variant in disease. Therefore, it has been classified as a Variant of Uncertain Significance.